The following is an entry in ClinVar:

NM_002972.4(SBF1):c.3771C>T (p.Asp1257=)

Gene: SBF1 (SET binding factor 1; minus strand). Cytogenetic location: 22q13.33.
Variant type: single nucleotide variant.
Coding change: c.3771C>T on transcript NM_002972.4 (MANE Select); coding-DNA position 3771, C replaced by T.
Protein change: p.Asp1257=; no amino-acid change (aspartic acid 1257 retained).
Molecular consequence: synonymous variant.
Genome position (GRCh38, 1-based): chr22:50,459,310, G>A on the plus strand (C>T on the coding strand, the complement: SBF1 is on the minus strand). VCF-style: chr22-50459310-G-A. GRCh37 (hg19) VCF-style: chr22-50897739-G-A.
Other names: p.Asp1257=; c.3774C>T, p.Asp1258= (NM_001365819.1).
Identifiers: ClinVar variation 1620663 (VCV001620663.13), dbSNP rs375371475, ClinGen allele CA10316574.

ClinVar aggregate classification (germline): Likely benign. Review status: criteria provided, multiple submitters, no conflicts (2 of 4 stars). 3 submissions from 3 submitters: Likely benign (3). Last evaluated 2026-02-01.

Allele frequency attached by ClinVar (database versions not stated): gnomAD 0.00004; gnomAD exomes 0.00004 and 0.00005; TOPMed 0.00004; ESP Exome Variant Server 0.00008; ExAC 0.00010.
gnomAD v4.1: 59 of 1,612,160 alleles (0.0037%); highest among the groups gnomAD compares: Middle Eastern, 0.016%; no homozygotes.

Submissions (3):

CeGaT Center for Human Genetics Tuebingen
Classification: Likely benign. Last evaluated: 2026-02-01. Review status: criteria provided, single submitter. Criteria: CeGaT Center For Human Genetics Tuebingen Variant Classification Criteria Version 2. Collection method: clinical testing. Allele origin: germline. Affected: yes. Observed: 1 variant allele.
Comment: SBF1: BP4, BP7

Mayo Clinic Laboratories, Mayo Clinic
Classification: Likely benign. Last evaluated: 2025-10-19. Review status: criteria provided, single submitter. Criteria: ACMG Guidelines, 2015. Collection method: clinical testing. Allele origin: germline. Observed: 1 variant allele.
Comment: BP4, BP7

Labcorp Genetics (formerly Invitae), Labcorp
Classification: Likely benign. Last evaluated: 2024-12-30. Review status: criteria provided, single submitter. Criteria: Invitae Variant Classification Sherloc (09022015). Collection method: clinical testing. Allele origin: germline.